The following is an entry in ClinVar:

NM_000441.2(SLC26A4):c.765+3A>C

Gene: SLC26A4 (solute carrier family 26 member 4; plus strand). Cytogenetic location: 7q22.3.
Variant type: single nucleotide variant.
Coding change: c.765+3A>C on transcript NM_000441.2 (MANE Select); 3 bases into the intron after coding-DNA position 765, A replaced by C.
Molecular consequence: intron variant.
Genome position (GRCh38, 1-based): chr7:107,675,112, A>C. VCF-style: chr7-107675112-A-C. GRCh37 (hg19) VCF-style: chr7-107315557-A-C.
Identifiers: ClinVar variation 133301 (VCV000133301.8), dbSNP rs483353048, ClinGen allele CA269902.

ClinVar aggregate classification (germline): Pathogenic/Likely pathogenic. Review status: criteria provided, multiple submitters, no conflicts (2 of 4 stars). 2 submissions from 2 submitters: Pathogenic (1); Likely pathogenic (1). Last evaluated 2025-03-27.

Conditions:
Autosomal recessive nonsyndromic hearing loss 4 (DFNB4). Also called: DEAFNESS, AUTOSOMAL RECESSIVE 4, WITH ENLARGED VESTIBULAR AQUEDUCT, DIGENIC; FOXI1-Related Pendred Syndrome; KCNJ10-Related Pendred Syndrome; Enlarged vestibular aqueduct, digenic; NEUROSENSORY NONSYNDROMIC RECESSIVE DEAFNESS 4; Nonsyndromic enlarged vestibular aqueduct (NSEVA). Identifiers: Orphanet 90636, MedGen C3538946, MONDO:0010933, OMIM 600791.

gnomAD v4.1: 3 of 1,613,318 alleles (0.00019%); highest among the groups gnomAD compares: Non-Finnish European, 0.00025%; no homozygotes.

Submissions (2):

Labcorp Genetics (formerly Invitae), Labcorp
Classification: Pathogenic. Last evaluated: 2025-03-27. Review status: criteria provided, single submitter. Criteria: Invitae Variant Classification Sherloc (09022015). Collection method: clinical testing. Allele origin: germline.
Comment: This sequence change falls in intron 6 of the SLC26A4 gene. It does not directly change the encoded amino acid sequence of the SLC26A4 protein. It affects a nucleotide within the consensus splice site. This variant is not present in population databases (gnomAD no frequency). This variant has been observed in individual(s) with SLC26A4-related conditions (PMID: 25991456). In at least one individual the data is consistent with being in trans (on the opposite chromosome) from a pathogenic variant. ClinVar contains an entry for this variant (Variation ID: 133301). Variants that disrupt the consensus splice site are a relatively common cause of aberrant splicing (PMID: 17576681, 9536098). Algorithms developed to predict the effect of sequence changes on RNA splicing suggest that this variant may disrupt the consensus splice site. This variant disrupts the c.765+3A nucleotide in the SLC26A4 gene. Other variant(s) that disrupt this nucleotide have been determined to be pathogenic (PMID: 23336812, 31033086). This suggests that this nucleotide is clinically significant, and that variants that disrupt this position are likely to be disease-causing. For these reasons, this variant has been classified as Pathogenic.

Molecular Genetics Laboratory; Baylor College of Medicine
Classification: Likely pathogenic. Review status: criteria provided, single submitter. Criteria: Submitter's publication. Collection method: not provided. Allele origin: unknown.
ClinVar note: Converted during submission from probable-pathogenic to Likely pathogenic.

Literature cited by the submitters: PubMed 25991456 (cited by Labcorp Genetics (formerly Invitae), Labcorp); PubMed 17576681 (cited by Labcorp Genetics (formerly Invitae), Labcorp); PubMed 9536098 (cited by Labcorp Genetics (formerly Invitae), Labcorp); PubMed 23336812 (cited by Labcorp Genetics (formerly Invitae), Labcorp); PubMed 31033086 (cited by Labcorp Genetics (formerly Invitae), Labcorp).